The following is an entry in ClinVar:

ClinVar aggregate classification (germline): Uncertain significance (1 of 4 stars; one submission).

Conditions:
Rienhoff syndrome. Also called: LOEYS-DIETZ SYNDROME 5. Identifiers: MedGen C3810012, MONDO:0014262, OMIM 615582.

gnomAD v4.1: 1 of 1,614,236 alleles (0.000062%); highest among the groups gnomAD compares: Admixed American, 0.0017%; no homozygotes.

Submission:

Labcorp Genetics (formerly Invitae), Labcorp
Classification: Uncertain significance for Rienhoff syndrome. Last evaluated: 2025-02-15. Review status: criteria provided, single submitter. Criteria: Invitae Variant Classification Sherloc (09022015). Collection method: clinical testing. Allele origin: germline.
Comment: This sequence change replaces valine, which is neutral and non-polar, with leucine, which is neutral and non-polar, at codon 122 of the TGFB3 protein (p.Val122Leu). This variant is present in population databases (no rsID available, gnomAD 0.003%). This variant has not been reported in the literature in individuals affected with TGFB3-related conditions. ClinVar contains an entry for this variant (Variation ID: 1981621). Invitae Evidence Modeling of protein sequence and biophysical properties (such as structural, functional, and spatial information, amino acid conservation, physicochemical variation, residue mobility, and thermodynamic stability) indicates that this missense variant is not expected to disrupt TGFB3 protein function with a negative predictive value of 80%. In summary, the available evidence is currently insufficient to determine the role of this variant in disease. Therefore, it has been classified as a Variant of Uncertain Significance.

NM_003239.5(TGFB3):c.364G>C (p.Val122Leu)

Gene: TGFB3 (transforming growth factor beta 3; minus strand). Cytogenetic location: 14q24.3.
Variant type: single nucleotide variant.
Coding change: c.364G>C on transcript NM_003239.5 (MANE Select); coding-DNA position 364, G replaced by C.
Protein change: p.Val122Leu; replaces valine 122 with leucine.
Molecular consequence: missense variant.
Genome position (GRCh38, 1-based): chr14:75,971,707, C>G on the plus strand (G>C on the coding strand, the complement: TGFB3 is on the minus strand). VCF-style: chr14-75971707-C-G. GRCh37 (hg19) VCF-style: chr14-76438050-C-G.
Other names: c.364G>C, p.Val122Leu (NM_001329938.2, NM_001329939.2); short protein forms V122L.
Identifiers: ClinVar variation 1981621 (VCV001981621.4), dbSNP rs779277167, ClinGen allele CA390470328.